The following is an entry in ClinVar:

NM_006009.4(TUBA1A):c.1169G>A (p.Arg390His)

Gene: TUBA1A (tubulin alpha 1a; minus strand). Cytogenetic location: 12q13.12.
Variant type: single nucleotide variant.
Coding change: c.1169G>A on transcript NM_006009.4 (MANE Select); coding-DNA position 1169, G replaced by A.
Protein change: p.Arg390His; replaces arginine 390 with histidine.
Molecular consequence: missense variant.
Genome position (GRCh38, 1-based): chr12:49,185,197, C>T on the plus strand (G>A on the coding strand, the complement: TUBA1A is on the minus strand). VCF-style: chr12-49185197-C-T. GRCh37 (hg19) VCF-style: chr12-49578980-C-T.
Other names: p.Arg390His; c.1169G>A, p.Arg390His (NM_001270399.2); c.1064G>A, p.Arg355His (NM_001270400.2); short protein forms R390H, R355H.
Identifiers: ClinVar variation 488628 (VCV000488628.22), dbSNP rs1064796460, ClinGen allele CA384635115.

ClinVar aggregate classification (germline): Pathogenic. Review status: criteria provided, multiple submitters, no conflicts (2 of 4 stars). 12 submissions from 12 submitters: Pathogenic (10). 2 of the submissions do not count toward it. Last evaluated 2026-07-16.

Conditions:
Inborn genetic diseases. Identifiers: MedGen C0950123, MeSH D030342.
Lissencephaly due to TUBA1A mutation (CDCBM16). Also called: Lissencephaly 3; CORTICAL DYSPLASIA, COMPLEX, WITH OTHER BRAIN MALFORMATIONS 16. Identifiers: Orphanet 171680, MedGen C4305153, MONDO:0012703, OMIM 611603.
Tubulinopathy. Also called: Tubulinopathies. Identifiers: MedGen CN850169, MONDO:0100153.

Submissions (12):

Ambry Genetics
Classification: Pathogenic for Inborn genetic diseases. Last evaluated: 2026-07-16. Review status: criteria provided, single submitter. Criteria: Ambry Variant Classification Scheme 2023. Collection method: clinical testing. Allele origin: germline.
Comment: The c.1169G>A (p.R390H) alteration is located in exon 4 (coding exon 4) of the TUBA1A gene. This alteration results from a G to A substitution at nucleotide position 1169, causing the arginine (R) at amino acid position 390 to be replaced by a histidine (H). This variant was not reported in population-based cohorts in the Genome Aggregation Database (gnomAD). This variant was reported in individual(s) with features consistent with TUBA1A-related tubulinopathy; in at least one individual, it was determined to be de novo (Zanni, 2013; Romaniello, 2017). Other variant(s) at the same codon, c.1168C>T (p.R390C), c.1169G>C (p.R390P) have been identified in individual(s) with features consistent with TUBA1A-related tubulinopathy (Kumar, 2010; Poirier, 2013; Lei, 2021). This amino acid position is highly conserved in available vertebrate species. This missense variant is located in a region that has a low rate of benign missense variation (Lek, 2016; Firth, 2009). This alteration is predicted to be deleterious by in silico analysis. Based on the available evidence, this alteration is classified as pathogenic.

Department of Molecular Genetics, Istishari Arab Hospital
Classification: Pathogenic for Lissencephaly due to TUBA1A mutation. Last evaluated: 2025-07-28. Review status: criteria provided, single submitter. Criteria: ACMG Guidelines, 2015. Collection method: clinical testing. Allele origin: germline. Inheritance: Autosomal dominant inheritance. Affected: yes.
Comment: The TUBA1A variant c.1169G>A, p.Arg390His creates an amino acid change from Arg to His at position 390. This variant was previously reported In patients with Lissencephaly (PMID: 20466733, 22948023, 23317684, and many others). The identified variant is classified as pathogenic (class 1) according to the recommendations of ACMG/AMP/ClinGen SVI guidelines.

3billion
Classification: Pathogenic for Lissencephaly due to TUBA1A mutation. Last evaluated: 2025-07-25. Review status: criteria provided, single submitter. Criteria: ACMG Guidelines, 2015. Collection method: clinical testing. Allele origin: germline. Affected: yes.
Comment: The variant is not observed in the gnomAD v4.1.0 dataset. Predicted Consequence/Location: The variant is located in a mutational hot spot and/or well-established functional domain in which established pathogenic variants have been reported. Missense variant. Missense changes are a common disease-causing mechanism. In silico tool predictions suggest damaging effect of the variant on gene or gene product [REVEL: 0.79 (>=0.6, sensitivity 0.68 and specificity 0.92); 3Cnet: 0.98 (> 0.75, sensitivity 0.96 and precision 0.92)]. The same nucleotide change resulting in the same amino acid change has been previously reported as pathogenic/likely pathogenic with strong evidence (ClinVar ID: VCV000488628 /PMID: 23317684 /3billion dataset). Different missense changes at the same codon (p.Arg390Cys, p.Arg390Gly, p.Arg390Pro) have been reported as pathogenic/likely pathogenic with strong evidence (ClinVar ID: VCV000418531, VCV000423490, VCV000450183 /PMID: 20466733). Therefore, this variant is classified as Pathogenic according to the recommendation of ACMG/AMP guideline.

Center of Human Genetics, Hôpital Erasme
Classification: Pathogenic for Lissencephaly due to TUBA1A mutation. Last evaluated: 2025-01-01. Review status: criteria provided, single submitter. Criteria: ACMG Guidelines, 2015. Collection method: clinical testing. Allele origin: de novo. Affected: yes.

Genomic Medicine Center of Excellence, King Faisal Specialist Hospital and Research Centre
Classification: Pathogenic for Lissencephaly due to TUBA1A mutation. Last evaluated: 2024-03-17. Review status: criteria provided, single submitter. Criteria: ACMG Guidelines, 2015. Collection method: research. Allele origin: germline.

Labcorp Genetics (formerly Invitae), Labcorp
Classification: Pathogenic. Last evaluated: 2024-03-07. Review status: criteria provided, single submitter. Criteria: Invitae Variant Classification Sherloc (09022015). Collection method: clinical testing. Allele origin: germline.
Comment: This sequence change replaces arginine, which is basic and polar, with histidine, which is basic and polar, at codon 390 of the TUBA1A protein (p.Arg390His). This variant is not present in population databases (gnomAD no frequency). This missense change has been observed in individual(s) with cortical malformation (PMID: 23317684, 28677066). In at least one individual the variant was observed to be de novo. ClinVar contains an entry for this variant (Variation ID: 488628). Advanced modeling of protein sequence and biophysical properties (such as structural, functional, and spatial information, amino acid conservation, physicochemical variation, residue mobility, and thermodynamic stability) performed at Invitae indicates that this missense variant is not expected to disrupt TUBA1A protein function with a negative predictive value of 80%. This variant disrupts the p.Arg390 amino acid residue in TUBA1A. Other variant(s) that disrupt this residue have been determined to be pathogenic (PMID: 20466733, 22948023, 34246755). This suggests that this residue is clinically significant, and that variants that disrupt this residue are likely to be disease-causing. For these reasons, this variant has been classified as Pathogenic.

Baylor Genetics
Classification: Pathogenic for Lissencephaly due to TUBA1A mutation. Last evaluated: 2023-11-18. Review status: criteria provided, single submitter. Criteria: ACMG Guidelines, 2015. Collection method: clinical testing. Allele origin: unknown.

GeneDx
Classification: Pathogenic. Last evaluated: 2021-12-07. Review status: criteria provided, single submitter. Criteria: GeneDx Variant Classification Process June 2021. Collection method: clinical testing. Allele origin: germline. Affected: yes.
Comment: In silico analysis, which includes protein predictors and evolutionary conservation, supports a deleterious effect; The majority of missense variants in this gene are considered pathogenic (Stenson et al., 2014); Not observed at significant frequency in large population cohorts (Lek et al., 2016); This variant is associated with the following publications: (PMID: 23317684, 28677066, 30744660, 33649541)

Institute of Human Genetics, FAU Erlangen, Friedrich-Alexander-Universität Erlangen-Nürnberg
Classification: Pathogenic for Tubulinopathies. Last evaluated: 2018-07-01. Review status: criteria provided, single submitter. Criteria: ACMG Guidelines, 2015. Collection method: literature only. Allele origin: de novo. Affected: yes. Observed: 3 variant alleles.
Comment: The c.1169G>A, p.(Arg390His) variant has been reported as a variant of de novo origin. This variant and associated phenotype was previously reported by Zanni et al. Eur J Pediatr Neurol, 2013 PMID: 23317684. HPO-standardized clinical features were: Partial agenesis of the corpus callosum, Hypoplasia of the corpus callosum (HP:0001338, HP:0002079); Perisylvian polymicrogyria (HP:0012650); Dysgenesis of the cerebellar vermis (HP:0002195); Hypoplasia of the brainstem (HP:0002365); Cerebellar dysplasia (HP:0007033); no Abnormal morphology of the hippocampus (HP:0025100); Dilation of lateral ventricles (HP:0006956); Spasticity (HP:0001257); Strabismus (HP:0000486)

Institute of Human Genetics Munich, TUM University Hospital
Classification: Pathogenic for Lissencephaly due to TUBA1A mutation. Last evaluated: 2017-11-16. Review status: criteria provided, single submitter. Criteria: Classification criteria August 2017. Collection method: clinical testing. Allele origin: de novo. Inheritance: Autosomal dominant inheritance. Affected: yes. Observed: 1 heterozygote.

Genome Diagnostics Laboratory, Amsterdam University Medical Center
Classification: Pathogenic for Lissencephaly due to TUBA1A mutation. Last evaluated: 2015-05-01. Review status: no assertion criteria provided. Criteria: ACGS Guidelines, 2013. Collection method: clinical testing. Allele origin: germline. Affected: yes. Study: VKGL Data-share Consensus. Not counted in ClinVar's aggregate classification.

Joint Genome Diagnostic Labs from Nijmegen and Maastricht, Radboudumc and MUMC+
Classification: Pathogenic. Review status: no assertion criteria provided. Collection method: clinical testing. Allele origin: germline. Affected: yes. Study: VKGL Data-share Consensus. Not counted in ClinVar's aggregate classification.

Literature cited by the submitters: PubMed 20466733 (cited by 4 submitters); PubMed 22948023 (cited by 3 submitters); PubMed 23317684 (cited by 4 submitters); PubMed 28677066 (cited by Ambry Genetics and Labcorp Genetics (formerly Invitae), Labcorp); PubMed 34246755 (cited by Ambry Genetics and Labcorp Genetics (formerly Invitae), Labcorp); PubMed 30744660 (cited by Institute of Human Genetics, FAU Erlangen, Friedrich-Alexander-Universität Erlangen-Nürnberg); DOI 10.1101/427948 (cited by Institute of Human Genetics, FAU Erlangen, Friedrich-Alexander-Universität Erlangen-Nürnberg).